The following is an entry in ClinVar:

NM_001195129.2(PRSS56):c.845G>T (p.Cys282Phe)

Gene: PRSS56 (serine protease 56; plus strand). Cytogenetic location: 2q37.1.
Variant type: single nucleotide variant.
Coding change: c.845G>T on transcript NM_001195129.2 (MANE Select); coding-DNA position 845, G replaced by T.
Protein change: p.Cys282Phe; replaces cysteine 282 with phenylalanine.
Molecular consequence: missense variant.
Genome position (GRCh38, 1-based): chr2:232,523,198, G>T. VCF-style: chr2-232523198-G-T. GRCh37 (hg19) VCF-style: chr2-233387908-G-T.
Other names: c.845G>T, p.Cys282Phe (NM_001369848.1); short protein forms C282F.
Identifiers: ClinVar variation 3365682 (VCV003365682.1).
Genomic context (GRCh38, chr2:232,523,198, plus strand): 5'-CCGGGCTGCGCCCCAGCACCATGCTCTGCGCCGGGTACCTGGCGGGGGGCGTTGACTCGT[G>T]CCAGGTATGAACCCAGTCTGATGAGAAAAGGCCGGCTGAGCCTTCCCAGGGCCACTACGG-3'
Protein context (NP_001182058.1, residues 272-292): AGYLAGGVDS[Cys282Phe]QGDSGGPLTC

ClinVar aggregate classification (germline): Uncertain significance (1 of 4 stars; one submission).

Submission:

GeneDx
Classification: Uncertain significance. Last evaluated: 2023-12-17. Review status: criteria provided, single submitter. Criteria: GeneDx Variant Classification Process June 2021. Collection method: clinical testing. Allele origin: germline. Affected: yes.
Comment: Not observed at significant frequency in large population cohorts (gnomAD); In silico analysis supports that this missense variant has a deleterious effect on protein structure/function; Has not been previously published as pathogenic or benign to our knowledge